The following is an entry in ClinVar:

NM_025137.4(SPG11):c.2802del (p.Asn933_Tyr934insTer)

Gene: SPG11 (SPG11 vesicle trafficking associated, spatacsin; minus strand). Cytogenetic location: 15q21.1.
Variant type: Deletion.
Coding change: c.2802del on transcript NM_025137.4 (MANE Select); coding-DNA position 2802, one base deleted (C; older notation c.2802delC).
Protein change: p.Asn933_Tyr934insTer.
Molecular consequence: nonsense.
Genome position (GRCh38, 1-based): chr15:44,620,222, G deleted on the plus strand (C on the coding strand, the reverse complement: SPG11 is on the minus strand). VCF-style (leftmost placement, unchanged base first): chr15-44620221-TG-T. GRCh37 (hg19) VCF-style: chr15-44912419-TG-T.
Other names: c.2802del, p.Asn933_Tyr934insTer (NM_001160227.2, NM_001411132.1).
Identifiers: ClinVar variation 2828143 (VCV002828143.3), dbSNP rs2505541486, ClinGen allele CA2739278556.

ClinVar aggregate classification (germline): Pathogenic (1 of 4 stars; one submission).

Conditions:
Hereditary spastic paraplegia 11. Also called: SPASTIC PARAPLEGIA, AUTOSOMAL RECESSIVE, COMPLICATED, WITH THIN CORPUS CALLOSUM; SPASTIC PARAPLEGIA, AUTOSOMAL RECESSIVE, WITH MENTAL IMPAIRMENT AND THIN CORPUS CALLOSUM; Spastic paraplegia, mental retardation and thin corpus callosum; Spastic Paraplegia 11; Nakamura Osame syndrome; Autosomal recessive hereditary spastic paraplegia, mental impairment, and thin corpus callosum. Identifiers: Orphanet 2822, MedGen C1858479, MONDO:0011445, OMIM 604360.

Submission:

Labcorp Genetics (formerly Invitae), Labcorp
Classification: Pathogenic for Hereditary spastic paraplegia 11. Last evaluated: 2023-01-13. Review status: criteria provided, single submitter. Criteria: Invitae Variant Classification Sherloc (09022015). Collection method: clinical testing. Allele origin: germline.
Comment: For these reasons, this variant has been classified as Pathogenic. Algorithms developed to predict the effect of sequence changes on RNA splicing suggest that this variant may disrupt the consensus splice site. This variant has not been reported in the literature in individuals affected with SPG11-related conditions. This variant is not present in population databases (gnomAD no frequency). This sequence change creates a premature translational stop signal (p.Tyr934*) in the SPG11 gene. It is expected to result in an absent or disrupted protein product. Loss-of-function variants in SPG11 are known to be pathogenic (PMID: 19105190, 20110243, 22154821, 26556829).

Literature cited by the submitters: PubMed 19105190; PubMed 20110243; PubMed 22154821; PubMed 26556829.